The following is an entry in ClinVar:

ClinVar aggregate classification (germline): Uncertain significance. Review status: criteria provided, multiple submitters, no conflicts (2 of 4 stars). 3 submissions from 3 submitters: Uncertain significance (3). Last evaluated 2026-01-11.

Conditions:
Hereditary cancer-predisposing syndrome. Also called: Tumor predisposition; Hereditary Cancer Syndrome; Neoplastic Syndromes, Hereditary; Hereditary neoplastic syndrome. Identifiers: Orphanet 140162, MedGen C0027672, MeSH D009386, MONDO:0015356.
Neuroblastoma, susceptibility to, 3. Also called: ALK-Related Neuroblastic Tumor Susceptibility. Identifiers: Orphanet 635, MedGen C2751681, MONDO:0013083, OMIM 613014.

Submissions (3):

Labcorp Genetics (formerly Invitae), Labcorp
Classification: Uncertain significance for Neuroblastoma, susceptibility to, 3. Last evaluated: 2026-01-11. Review status: criteria provided, single submitter. Criteria: Invitae Variant Classification Sherloc (09022015). Collection method: clinical testing. Allele origin: germline.
Comment: This variant, c.4226_4231del, results in the deletion of 2 amino acid(s) of the ALK protein (p.Glu1409_Lys1410del), but otherwise preserves the integrity of the reading frame. This variant is present in population databases (no rsID available, gnomAD 0.007%). This variant has not been reported in the literature in individuals affected with ALK-related conditions. ClinVar contains an entry for this variant (Variation ID: 1010224). Experimental studies and prediction algorithms are not available or were not evaluated, and the functional significance of this variant is currently unknown. In summary, the available evidence is currently insufficient to determine the role of this variant in disease. Therefore, it has been classified as a Variant of Uncertain Significance.

Ambry Genetics
Classification: Uncertain significance for Hereditary cancer-predisposing syndrome. Last evaluated: 2025-01-16. Review status: criteria provided, single submitter. Criteria: Ambry Variant Classification Scheme 2023. Collection method: clinical testing. Allele origin: germline.
Comment: The c.4226_4231delAGAAAG variant (also known as p.E1409_K1410del) is located in coding exon 29 of the ALK gene. This variant results from an in-frame AGAAAG deletion at nucleotide positions 4226 to 4231. This results in the in-frame deletion of a at codon 1409. In addition, this alteration is predicted to be deleterious by in silico analysis (Choi Y et al. PLoS ONE. 2012; 7(10):e46688). Based on the available evidence, the clinical significance of this variant remains unclear.

Baylor Genetics
Classification: Uncertain significance for Neuroblastoma, susceptibility to, 3. Last evaluated: 2023-05-01. Review status: criteria provided, single submitter. Criteria: ACMG Guidelines, 2015. Collection method: clinical testing. Allele origin: unknown.

NM_004304.5(ALK):c.4226_4231del (p.Glu1409_Lys1410del)

Gene: ALK (ALK receptor tyrosine kinase; minus strand). Cytogenetic location: 2p23.2.
Variant type: Deletion.
Coding change: c.4226_4231del on transcript NM_004304.5 (MANE Select); coding-DNA positions 4226 to 4231, 6 bases deleted (AGAAAG; older notation c.4226_4231delAGAAAG).
Protein change: p.Glu1409_Lys1410del.
Molecular consequence: inframe deletion.
Genome position (GRCh38, 1-based): chr2:29,193,856-29,193,861, CTTTCT deleted on the plus strand (AGAAAG on the coding strand, the reverse complement: ALK is on the minus strand); deleting any 6 consecutive bases within chr2:29,193,856-29,193,864 gives the same sequence; the c. name uses the placement nearest the transcript's 3' end. VCF-style (leftmost placement, unchanged base first): chr2-29193855-ACTTTCT-A. GRCh37 (hg19) VCF-style: chr2-29416721-ACTTTCT-A.
Other names: c.1022_1027del, p.Glu341_Lys342del (NM_001353765.2); c.4226_4231delAGAAAG (NM_004304.4).
Identifiers: ClinVar variation 1010224 (VCV001010224.8), dbSNP rs1460984349, ClinGen allele CA531766845.